The following is an entry in ClinVar:

ClinVar aggregate classification (germline): Pathogenic/Likely pathogenic. Review status: criteria provided, multiple submitters, no conflicts (2 of 4 stars). 13 submissions from 13 submitters: Pathogenic (10); Likely pathogenic (3). Last evaluated 2026-09-02.

Conditions:
SLC12A3-related disorder. Also called: SLC12A3-related condition.
Familial hypokalemia-hypomagnesemia (GTLMNS). Also called: POTASSIUM AND MAGNESIUM DEPLETION; HYPOMAGNESEMIA-HYPOKALEMIA, PRIMARY RENOTUBULAR, WITH HYPOCALCIURIA; gitelman syndrome. Identifiers: Orphanet 358, MedGen C0268450, MONDO:0009904, OMIM 263800.

Allele frequency attached by ClinVar (database versions not stated): TOPMed 0.00006; gnomAD 0.00007 and 0.00008; ESP Exome Variant Server 0.00015.
gnomAD v4.1: 143 of 1,612,076 alleles (0.0089%); highest among the groups gnomAD compares: Non-Finnish European, 0.011%; no homozygotes.

Submissions (13):

Clinical Genetics Laboratory, Skane University Hospital Lund
Classification: Pathogenic for Familial hypokalemia-hypomagnesemia. Last evaluated: 2026-09-02. Review status: criteria provided, single submitter. Criteria: ACMG Guidelines, 2015. Collection method: clinical testing. Allele origin: germline. Inheritance: Autosomal recessive inheritance. Affected: yes.
Comment: ACMG criteria used: PM2, PM3_Very Strong, PP1, PP3, PP4_Strong.

Labcorp Genetics (formerly Invitae), Labcorp
Classification: Pathogenic. Last evaluated: 2025-12-23. Review status: criteria provided, single submitter. Criteria: Invitae Variant Classification Sherloc (09022015). Collection method: clinical testing. Allele origin: germline.
Comment: This sequence change replaces glycine, which is neutral and non-polar, with valine, which is neutral and non-polar, at codon 729 of the SLC12A3 protein (p.Gly729Val). This variant is present in population databases (rs373901523, gnomAD 0.02%). This missense change has been observed in individuals with Gitelman syndrome (PMID: 11168953, 17654016, 31672324). ClinVar contains an entry for this variant (Variation ID: 994770). Invitae Evidence Modeling of protein sequence and biophysical properties (such as structural, functional, and spatial information, amino acid conservation, physicochemical variation, residue mobility, and thermodynamic stability) indicates that this missense variant is expected to disrupt SLC12A3 protein function with a positive predictive value of 95%. This variant disrupts the p.Gly729 amino acid residue in SLC12A3. Other variant(s) that disrupt this residue have been observed in individuals with SLC12A3-related conditions (PMID: 21415153, 31672324), which suggests that this may be a clinically significant amino acid residue. For these reasons, this variant has been classified as Pathogenic.

Victorian Clinical Genetics Services, Murdoch Childrens Research Institute
Classification: Pathogenic for Familial hypokalemia-hypomagnesemia. Last evaluated: 2025-12-04. Review status: criteria provided, single submitter. Criteria: ACMG Guidelines, 2015. Collection method: clinical testing. Allele origin: germline. Affected: yes.
Comment: This variant is classified as Pathogenic. Evidence in support of pathogenic classification: Variant is present in gnomAD <0.01 for a recessive condition (v4: 143 heterozygote(s), 0 homozygote(s)); This variant has strong previous evidence of pathogenicity in unrelated individuals. This variant has been reported as likely pathogenic and pathogenic in ClinVar, and reported in the literature in multiple individuals with Gitelman syndrome (PMID: 11168953, 35509038, 31398183); Another missense variant comparable to the one identified in this case has limited previous evidence for pathogenicity. This alternative change (p.(Gly729Asp)) has been reported twice as likely pathogenic (ClinVar); Missense variant predicted to be damaging by in silico tool(s) or highly conserved with a major amino acid change. Additional information: Variant is predicted to result in a missense amino acid change from Gly to Val; This variant is heterozygous; This gene is associated with autosomal recessive disease; Alternative amino acid change(s) at the same position are present in gnomAD (highest allele count: v4: 3 heterozygote(s), 0 homozygote(s)); Variant is located in the annotated SLC12 domain (DECIPHER); Loss of function is a known mechanism of disease in this gene and is associated with Gitelman syndrome (MIM#263800); Inheritance information for this variant is not currently available in this individual.

Natera, Inc.
Classification: Pathogenic for Gitelman syndrome. Last evaluated: 2025-12-02. Review status: criteria provided, single submitter. Criteria: Natera Variant Classification Schema (03/2026). Collection method: clinical testing. Allele origin: germline.
Comment: The c.2186G>T variant in SLC12A3 is a missense variant predicted to cause substitution of glycine to valine at amino acid 729. This variant is rare in the general population with a frequency below the threshold expected for the associated phenotype(s). This variant has been observed in one or more individuals affected with the associated recessive disease, as either homozygous or compound heterozygous with a second variant (PMID: 11168953, 17654016, 31398183). A different variant at the same position has been determined to be Pathogenic or Likely Pathogenic. Computational prediction algorithms indicate this variant is likely to affect gene or protein function. Given the available evidence, this variant is classified as Pathogenic.

PreventionGenetics, part of Exact Sciences
Classification: Pathogenic for SLC12A3-related condition. Last evaluated: 2025-08-05. Review status: criteria provided, single submitter. Criteria: ACMG Guidelines, 2015. Collection method: clinical testing. Allele origin: germline.
Comment: The SLC12A3 c.2186G>T variant is predicted to result in the amino acid substitution p.Gly729Val. This variant has been reported with other SLC12A3 variants in multiple individuals with Gitelman syndrome (see for examples, Cruz et al. 2001. PubMed ID: 11168953; Fava et al. 2007. PubMed ID: 17654016; Zeng et al. 2019. PubMed ID: 31398183; Hureaux et al. 2019. PubMed ID: 31672324). This variant is reported in 0.016% of alleles in individuals of European (non-Finnish) descent in gnomAD. An alternate missense substitution affecting the same amino acid (p.Gly729Ala) has also been reported in multiple individuals with Gitelman syndrome (Fava et al. 2007. PubMed ID: 17654016; Table S1, Vargas-Poussou et al. 2011. PubMed ID: 21415153). In summary, the c.2186G>T (p.Gly729Val) variant is interpreted as pathogenic.

Blueprint Genetics
Classification: Pathogenic for SLC12A3-related disorders. Last evaluated: 2024-11-05. Review status: criteria provided, single submitter. Criteria: ACMG Guidelines, 2015. Collection method: clinical testing. Allele origin: germline. Affected: yes. Observed: 5 variant alleles.

GeneDx
Classification: Pathogenic. Last evaluated: 2024-05-09. Review status: criteria provided, single submitter. Criteria: GeneDx Variant Classification Process June 2021. Collection method: clinical testing. Allele origin: germline.
Comment: In silico analysis supports that this missense variant has a deleterious effect on protein structure/function; This variant is associated with the following publications: (PMID: 17981812, 11168953, 22009145, 15976513, 17654016, 12112667, 31672324, 31398183, 35509038, 31328266, 35591852)

Fulgent Genetics
Classification: Pathogenic for Familial hypokalemia-hypomagnesemia. Last evaluated: 2024-03-02. Review status: criteria provided, single submitter. Criteria: ACMG Guidelines, 2015. Collection method: clinical testing. Allele origin: germline.

Revvity Omics, Revvity
Classification: Likely pathogenic for Familial hypokalemia-hypomagnesemia. Last evaluated: 2022-04-19. Review status: criteria provided, single submitter. Criteria: ACMG Guidelines, 2015. Collection method: clinical testing. Allele origin: germline.

Genome-Nilou Lab
Classification: Likely pathogenic for Familial hypokalemia-hypomagnesemia. Last evaluated: 2021-07-15. Review status: criteria provided, single submitter. Criteria: ACMG Guidelines, 2015. Collection method: clinical testing. Allele origin: germline. Affected: no.

Athena Diagnostics
Classification: Pathogenic. Last evaluated: 2019-10-24. Review status: criteria provided, single submitter. Criteria: Athena Diagnostics Criteria. Collection method: clinical testing. Allele origin: unknown.
Comment: The frequency of this variant in the general population is consistent with pathogenicity. Found in at least one patient with expected phenotype for this gene. Predicted to have a damaging effect on the protein. In multiple individuals, this variant has been seen with a single recessive pathogenic variant in the same gene, suggesting this variant may also be pathogenic.

Juno Genomics, Hangzhou Juno Genomics, Inc
Classification: Pathogenic for Familial hypokalemia-hypomagnesemia. Review status: criteria provided, single submitter. Criteria: ACMG Guidelines, 2015. Collection method: clinical testing. Allele origin: germline. Affected: yes.
Comment: Absent from controls (or at extremely low frequency if recessive) in Genome Aggregation Database, Exome Sequencing Project, 1000 Genomes Project, or Exome Aggregation Consortium.;Multiple lines of computational evidence support a deleterious effect on the gene or gene product (conservation, evolutionary, splicing impact, etc).;For recessive disorders, detected in trans with a pathogenic variant.

Neuberg Centre For Genomic Medicine, NCGM
Classification: Likely pathogenic for Familial hypokalemia-hypomagnesemia. Review status: criteria provided, single submitter. Criteria: ACMG Guidelines, 2015. Collection method: clinical testing. Allele origin: germline. Inheritance: Autosomal recessive inheritance. Affected: yes.

Literature cited by the submitters: PubMed 11168953 (cited by 4 submitters); PubMed 17654016 (cited by 3 submitters); PubMed 31672324 (cited by Labcorp Genetics (formerly Invitae), Labcorp); PubMed 21415153 (cited by Labcorp Genetics (formerly Invitae), Labcorp); PubMed 35509038 (cited by Victorian Clinical Genetics Services, Murdoch Childrens Research Institute); PubMed 31398183 (cited by 3 submitters); PubMed 18402569 (cited by Athena Diagnostics); PubMed 15976513 (cited by Athena Diagnostics); PubMed 21342329 (cited by Athena Diagnostics).

NM_001126108.2(SLC12A3):c.2186G>T (p.Gly729Val)

Gene: SLC12A3 (solute carrier family 12 member 3; plus strand). Cytogenetic location: 16q13.
Variant type: single nucleotide variant.
Coding change: c.2186G>T on transcript NM_001126108.2 (MANE Select); coding-DNA position 2186, G replaced by T.
Protein change: p.Gly729Val; replaces glycine 729 with valine.
Molecular consequence: missense variant.
Genome position (GRCh38, 1-based): chr16:56,887,932, G>T. VCF-style: chr16-56887932-G-T. GRCh37 (hg19) VCF-style: chr16-56921844-G-T.
Other names: c.2186G>T (NM_001126108.1); c.2186G>T, p.Gly729Val (NM_000339.3); c.2183G>T, p.Gly728Val (NM_001126107.2); short protein forms G728V, G729V.
Identifiers: ClinVar variation 994770 (VCV000994770.26), dbSNP rs373901523, ClinGen allele CA8069788.